The following is an entry in ClinVar:

ClinVar aggregate classification (germline): Uncertain significance (1 of 4 stars; one submission).

Conditions:
Hypertrophic cardiomyopathy. Also called: HYPERTROPHIC MYOCARDIOPATHY. Identifiers: Orphanet 217569, MedGen C0007194, MeSH D002312, MONDO:0005045, HP:0001639.

Submission:

Labcorp Genetics (formerly Invitae), Labcorp
Classification: Uncertain significance for Hypertrophic cardiomyopathy. Last evaluated: 2024-09-06. Review status: criteria provided, single submitter. Criteria: Invitae Variant Classification Sherloc (09022015). Collection method: clinical testing. Allele origin: germline.
Comment: This sequence change creates a premature translational stop signal (p.Thr185Serfs*78) in the MYH7 gene. It is expected to result in an absent or disrupted protein product. However, the current clinical and genetic evidence is not sufficient to establish whether loss-of-function variants in MYH7 cause disease. This variant is not present in population databases (gnomAD no frequency). This variant has not been reported in the literature in individuals affected with MYH7-related conditions. In summary, the available evidence is currently insufficient to determine the role of this variant in disease. Therefore, it has been classified as a Variant of Uncertain Significance.

NM_000257.4(MYH7):c.553_556del (p.Thr185fs)

Gene: MYH7 (myosin heavy chain 7; minus strand). Cytogenetic location: 14q11.2.
Variant type: Deletion.
Coding change: c.553_556del on transcript NM_000257.4 (MANE Select); coding-DNA positions 553 to 556, 4 bases deleted (ACAG; older notation c.553_556delACAG).
Protein change: p.Thr185fs; shifts the reading frame from threonine 185.
Molecular consequence: frameshift variant.
Genome position (GRCh38, 1-based): chr14:23,431,844-23,431,847, CTGT deleted on the plus strand (ACAG on the coding strand, the reverse complement: MYH7 is on the minus strand); deleting any 4 consecutive bases within chr14:23,431,844-23,431,849 gives the same sequence; the c. name uses the placement nearest the transcript's 3' end. VCF-style (leftmost placement, unchanged base first): chr14-23431843-ACTGT-A. GRCh37 (hg19) VCF-style: chr14-23901052-ACTGT-A.
Other names: c.553_556del, p.Thr185fs (NM_001407004.1); short protein forms T185fs.
Identifiers: ClinVar variation 3618621 (VCV003618621.2).